The following is an entry in ClinVar:

ClinVar aggregate classification (germline): Pathogenic (1 of 4 stars; one submission).

Conditions:
Glutaric aciduria, type 1. Also called: GA I; Glutaryl-CoA dehydrogenase deficiency; Glutaric acidemia type I; Glutaricacidemia Type 1; Glutaricaciduria, type I; Glutaric Acidemia Type 1. Identifiers: Orphanet 25, MedGen C0268595, MONDO:0009281, OMIM 231670.

Submission:

Myriad Genetics, Inc.
Classification: Pathogenic for Glutaric aciduria, type 1. Last evaluated: 2023-09-26. Review status: criteria provided, single submitter. Criteria: Myriad Autosomal Dominant, Autosomal Recessive and X-Linked Classification Criteria (2023). Collection method: clinical testing. Allele origin: unknown.
Comment: NM_000159.2(GCDH):c.193delA(I65Sfs*77) is expected to be pathogenic in the context of glutaric acidemia, GCDH-related. This variant is predicted to lead to an abnormal or absent protein product due to the creation of a premature termination codon in GCDH, a gene where loss-of-function variants are known to be pathogenic. Please note: this variant was assessed in the context of healthy population screening.

NM_000159.4(GCDH):c.193del (p.Ile65fs)

Genes: GCDH (glutaryl-CoA dehydrogenase; plus strand), LOC117125594 (CRISPRi-FlowFISH-validated KLF1 regulatory element; plus strand). Cytogenetic location: 19p13.13.
Variant type: Deletion.
Coding change: c.193del on transcript NM_000159.4 (MANE Select); coding-DNA position 193, one base deleted (A; older notation c.193delA).
Protein change: p.Ile65fs; shifts the reading frame from isoleucine 65.
Molecular consequence: frameshift variant. On other transcripts: non-coding transcript variant (2).
Genome position (GRCh38, 1-based): chr19:12,891,896, A deleted. VCF-style (leftmost placement, unchanged base first): chr19-12891895-GA-G. GRCh37 (hg19) VCF-style: chr19-13002709-GA-G.
Other names: c.193del, p.Ile65fs (NM_013976.5); short protein forms I65fs.
Identifiers: ClinVar variation 5011734 (VCV005011734.1).
Genomic context (GRCh38, chr19:12,891,895, plus strand): 5'-GCGTCCCGAGTTTGACTGGCAGGACCCGCTGGTGCTGGAGGAGCAGCTGACCACAGATGA[GA>G]TCCTCATCAGGGACACCTTCCGCACCTACTGCCAGGAGAGACTCATGCCTCGCATCCTGT-3'